The following is an entry in ClinVar:

NM_005141.5(FGB):c.382G>A (p.Asp128Asn)

Gene: FGB (fibrinogen beta chain; plus strand). Cytogenetic location: 4q31.3.
Variant type: single nucleotide variant.
Coding change: c.382G>A on transcript NM_005141.5 (MANE Select); coding-DNA position 382, G replaced by A.
Protein change: p.Asp128Asn; replaces aspartic acid 128 with asparagine.
Molecular consequence: missense variant. On other transcripts: intron variant (1).
Genome position (GRCh38, 1-based): chr4:154,566,564, G>A. VCF-style: chr4-154566564-G-A. GRCh37 (hg19) VCF-style: chr4-155487716-G-A.
Other names: c.205G>A, p.Asp69Asn (NM_001184741.1); c.382G>A, p.Asp128Asn (NM_001382760.1, NM_001382761.1, NM_001382762.1 and 3 more transcripts); c.307-57G>A (NM_001382759.1); short protein forms D69N, D128N.
Identifiers: ClinVar variation 2058050 (VCV002058050.5), dbSNP rs770246669, ClinGen allele CA3114519.

ClinVar aggregate classification (germline): Conflicting classifications of pathogenicity. Review status: criteria provided, conflicting classifications (1 of 4 stars). 2 submissions from 2 submitters: Uncertain significance (1); Likely benign (1). Last evaluated 2022-10-12.

Conditions:
Inborn genetic diseases. Identifiers: MedGen C0950123, MeSH D030342.

Allele frequency attached by ClinVar (database versions not stated): ExAC 0.00002; gnomAD 0.00008.
gnomAD v4.1: 46 of 1,614,102 alleles (0.0028%); highest among the groups gnomAD compares: Non-Finnish European, 0.0036%; no homozygotes.

Submissions (2):

Ambry Genetics
Classification: Likely benign for Inborn genetic diseases. Last evaluated: 2022-10-12. Review status: criteria provided, single submitter. Criteria: Ambry Variant Classification Scheme 2023. Collection method: clinical testing. Allele origin: germline.

Labcorp Genetics (formerly Invitae), Labcorp
Classification: Uncertain significance. Last evaluated: 2022-10-05. Review status: criteria provided, single submitter. Criteria: Invitae Variant Classification Sherloc (09022015). Collection method: clinical testing. Allele origin: germline.
Comment: This variant is present in population databases (rs770246669, gnomAD 0.007%). In summary, the available evidence is currently insufficient to determine the role of this variant in disease. Therefore, it has been classified as a Variant of Uncertain Significance. Advanced modeling of protein sequence and biophysical properties (such as structural, functional, and spatial information, amino acid conservation, physicochemical variation, residue mobility, and thermodynamic stability) performed at Invitae indicates that this missense variant is not expected to disrupt FGB protein function. This variant has not been reported in the literature in individuals affected with FGB-related conditions. This sequence change replaces aspartic acid, which is acidic and polar, with asparagine, which is neutral and polar, at codon 128 of the FGB protein (p.Asp128Asn).